The following is an entry in ClinVar:

NM_017654.4(SAMD9):c.2462dup (p.Tyr822fs)

Gene: SAMD9 (sterile alpha motif domain containing 9; minus strand). Cytogenetic location: 7q21.2.
Variant type: Duplication.
Coding change: c.2462dup on transcript NM_017654.4 (MANE Select); coding-DNA position 2462, one base duplicated (A; older notation c.2462dupA).
Protein change: p.Tyr822fs; shifts the reading frame from tyrosine 822.
Molecular consequence: frameshift variant.
Genome position (GRCh38, 1-based): chr7:93,103,636, T duplicated on the plus strand (A on the coding strand, the reverse complement: SAMD9 is on the minus strand); the first of 5 consecutive T bases (chr7:93,103,636-93,103,640); duplicating any one gives the same sequence. VCF-style (leftmost placement, unchanged base first): chr7-93103635-C-CT. GRCh37 (hg19) VCF-style: chr7-92732948-C-CT.
Other names: c.2462dup, p.Tyr822fs (NM_001193307.2); short protein forms Y822fs.
Identifiers: ClinVar variation 3620574 (VCV003620574.2).
Genomic context (GRCh38, chr7:93,103,635, plus strand): 5'-AGGATTTTGTGATCTCATACAATTTAGGATAATCACCAGAGGTTTTTCATATCGAATGTA[C>CT]TTTTTAGCTATAGCTGTTTGAATAGAGTACTGCAGAAGATAGACATTATCTTGTTCTTCA-3'

ClinVar aggregate classification (germline): Uncertain significance (1 of 4 stars; one submission).

Submission:

Labcorp Genetics (formerly Invitae), Labcorp
Classification: Uncertain significance. Last evaluated: 2024-08-05. Review status: criteria provided, single submitter. Criteria: Invitae Variant Classification Sherloc (09022015). Collection method: clinical testing. Allele origin: germline.
Comment: This sequence change creates a premature translational stop signal (p.Tyr822Valfs*5) in the SAMD9 gene. While this is not anticipated to result in nonsense mediated decay, it is expected to disrupt the last 768 amino acid(s) of the SAMD9 protein. This variant is not present in population databases (gnomAD no frequency). This variant has not been reported in the literature in individuals affected with SAMD9-related conditions. Experimental studies and prediction algorithms are not available or were not evaluated, and the functional significance of this variant is currently unknown. In summary, the available evidence is currently insufficient to determine the role of this variant in disease. Therefore, it has been classified as a Variant of Uncertain Significance.